The following is an entry in ClinVar:

NM_014520.4(MYBBP1A):c.443G>A (p.Arg148Gln)

Gene: MYBBP1A (MYB binding protein 1a; minus strand). Cytogenetic location: 17p13.2.
Variant type: single nucleotide variant.
Coding change: c.443G>A on transcript NM_014520.4 (MANE Select); coding-DNA position 443, G replaced by A.
Protein change: p.Arg148Gln; replaces arginine 148 with glutamine.
Molecular consequence: missense variant.
Genome position (GRCh38, 1-based): chr17:4,554,029, C>T on the plus strand (G>A on the coding strand, the complement: MYBBP1A is on the minus strand). VCF-style: chr17-4554029-C-T. GRCh37 (hg19) VCF-style: chr17-4457324-C-T.
Other names: c.443G>A, p.Arg148Gln (NM_001105538.2); short protein forms R148Q.
Identifiers: ClinVar variation 2357474 (VCV002357474.4), dbSNP rs767133320, ClinGen allele CA8305596.

ClinVar aggregate classification (germline): Uncertain significance. Review status: criteria provided, multiple submitters, no conflicts (2 of 4 stars). 2 submissions from 2 submitters: Uncertain significance (2). Last evaluated 2025-07-21.

Allele frequency attached by ClinVar (database versions not stated): gnomAD 0.00005.
gnomAD v4.1: 114 of 1,613,904 alleles (0.0071%); highest among the groups gnomAD compares: South Asian, 0.03%; no homozygotes.

Submissions (2):

GeneDx
Classification: Uncertain significance. Last evaluated: 2025-07-21. Review status: criteria provided, single submitter. Criteria: GeneDx Variant Classification Process June 2021. Collection method: clinical testing. Allele origin: germline. Affected: yes.
Comment: In silico analysis supports that this missense variant has a deleterious effect on protein structure/function; In silico analysis suggests this variant may impact gene splicing. In the absence of RNA/functional studies, the actual effect of this sequence change is unknown.; Has not been previously reported as a pathogenic or benign germline variant to our knowledge; This variant is associated with the following publications: (PMID: 24366360)

Ambry Genetics
Classification: Uncertain significance. Last evaluated: 2025-06-18. Review status: criteria provided, single submitter. Criteria: Ambry Variant Classification Scheme 2023. Collection method: clinical testing. Allele origin: germline.